The following is an entry in ClinVar:

ClinVar aggregate classification (germline): Benign/Likely benign. Review status: criteria provided, multiple submitters, no conflicts (2 of 4 stars). 6 submissions from 6 submitters: Benign (1); Likely benign (5). Last evaluated 2026-03-23.

Conditions:
MYH7-related disorder. Also called: MYH7-related condition; MYH7-related disease; MYH7-related disorders.
Cardiovascular phenotype. Identifiers: MedGen CN230736.
Cardiomyopathy (CMYO). Also called: Cardiomyopathies. Identifiers: Orphanet 167848, MedGen C0878544, MONDO:0004994, HP:0001638. Inheritance: Various modes of inheritance.
Hypertrophic cardiomyopathy. Also called: HYPERTROPHIC MYOCARDIOPATHY. Identifiers: Orphanet 217569, MedGen C0007194, MeSH D002312, MONDO:0005045, HP:0001639.

Allele frequency attached by ClinVar (database versions not stated): gnomAD exomes 0.00001 and 0.00002; ExAC 0.00002; ESP Exome Variant Server 0.00008; TOPMed 0.00008; gnomAD 0.00009 and 0.00011.
gnomAD v4.1: 24 of 1,613,776 alleles (0.0015%); highest among the groups gnomAD compares: African/African-American, 0.029%; no homozygotes.

Submissions (6):

PreventionGenetics, part of Exact Sciences
Classification: Likely benign for MYH7-related condition. Last evaluated: 2026-03-23. Review status: criteria provided, single submitter. Criteria: ACMG Guidelines, 2015. Collection method: clinical testing. Allele origin: germline.
Comment: This variant is classified as likely benign based on ACMG/AMP sequence variant interpretation guidelines (Richards et al. 2015 PMID: 25741868, with internal and published modifications).

Labcorp Genetics (formerly Invitae), Labcorp
Classification: Likely benign for Hypertrophic cardiomyopathy. Last evaluated: 2025-12-29. Review status: criteria provided, single submitter. Criteria: Invitae Variant Classification Sherloc (09022015). Collection method: clinical testing. Allele origin: germline.

All of Us Research Program, National Institutes of Health
Classification: Likely benign for Cardiomyopathy. Last evaluated: 2023-12-18. Review status: criteria provided, single submitter. Criteria: ACMG Guidelines, 2015. Collection method: clinical testing. Allele origin: germline. Inheritance: Autosomal dominant inheritance. Observed: 5 variant alleles, 5 heterozygotes.
Comment: This study involves interpretation of variants in research participants for the purpose of population health screening. Participant phenotype was not available at the time of variant classification. Additional details can be found in publication PMID: 35346344, PMCID: PMC8962531

GeneDx
Classification: Benign. Last evaluated: 2020-12-10. Review status: criteria provided, single submitter. Criteria: GeneDx Variant Classification Process June 2021. Collection method: clinical testing. Allele origin: germline. Affected: yes.
Comment: Has not been previously published as pathogenic or benign to our knowledge; In-silico analysis, which includes splice predictors and evolutionary conservation, is inconclusive as to whether the variant alters gene splicing. In the absence of RNA/functional studies, the actual effect of this sequence change is unknown.; Reported in ClinVar but additional evidence is not available (ClinVar Variant ID#188641; Landrum et al., 2016)

Color Diagnostics, LLC DBA Color Health
Classification: Likely benign for Cardiomyopathy. Last evaluated: 2019-02-16. Review status: criteria provided, single submitter. Criteria: ACMG Guidelines, 2015. Collection method: clinical testing. Allele origin: germline.

Ambry Genetics
Classification: Likely benign for Cardiovascular phenotype. Last evaluated: 2016-01-22. Review status: criteria provided, single submitter. Criteria: Ambry Variant Classification Scheme 2023. Collection method: clinical testing. Allele origin: germline.

NM_000257.4(MYH7):c.5139G>A (p.Val1713=)

Genes: MHRT (myosin heavy chain associated RNA transcript; plus strand), MYH7 (myosin heavy chain 7; minus strand), LOC126861897 (BRD4-independent group 4 enhancer GRCh37_chr14:23884455-23885654; plus strand). Cytogenetic location: 14q11.2.
Variant type: single nucleotide variant.
Coding change: c.5139G>A on transcript NM_000257.4 (MANE Select); coding-DNA position 5139, G replaced by A.
Protein change: p.Val1713=; no amino-acid change (valine 1713 retained).
Molecular consequence: synonymous variant. On other transcripts: non-coding transcript variant (1).
Genome position (GRCh38, 1-based): chr14:23,415,647, C>T on the plus strand (G>A on the coding strand, the complement: MYH7 is on the minus strand). VCF-style: chr14-23415647-C-T. GRCh37 (hg19) VCF-style: chr14-23884856-C-T.
Identifiers: ClinVar variation 188641 (VCV000188641.23), dbSNP rs369562442, ClinGen allele CA015735.